The following is an entry in ClinVar:

NM_000133.4(F9):c.190T>C (p.Cys64Arg)

Gene: F9 (coagulation factor IX; plus strand). Cytogenetic location: Xq27.1.
Variant type: single nucleotide variant.
Coding change: c.190T>C on transcript NM_000133.4 (MANE Select); coding-DNA position 190, T replaced by C.
Protein change: p.Cys64Arg; replaces cysteine 64 with arginine.
Molecular consequence: missense variant.
Genome position (GRCh38, 1-based): chrX:139,537,111, T>C. VCF-style: chrX-139537111-T-C. GRCh37 (hg19) VCF-style: chrX-138619270-T-C.
Other names: c.190T>C, p.Cys64Arg (NM_001313913.2); short protein forms C64R.
Identifiers: ClinVar variation 811523 (VCV000811523.9), dbSNP rs137852224, ClinGen allele CA336130710.

ClinVar aggregate classification (germline): Likely pathogenic. Review status: criteria provided, multiple submitters, no conflicts (2 of 4 stars). 2 submissions from 2 submitters: Likely pathogenic (2). Last evaluated 2024-04-10.

Conditions:
Hereditary factor IX deficiency disease (HEMB). Also called: Christmas Disease; F9 DEFICIENCY; FACTOR IX DEFICIENCY; PLASMA THROMBOPLASTIN COMPONENT DEFICIENCY; Hemophilia B. Identifiers: Orphanet 98879, MedGen C0008533, MeSH D002836, MONDO:0010604, OMIM 306900.

Submissions (2):

Women's Health and Genetics/Laboratory Corporation of America, LabCorp
Classification: Likely pathogenic for Hereditary factor IX deficiency disease. Last evaluated: 2024-04-10. Review status: criteria provided, single submitter. Criteria: LabCorp Variant Classification Summary - May 2015. Collection method: clinical testing. Allele origin: germline.
Comment: Variant summary: F9 c.190T>C (p.Cys64Arg) results in a non-conservative amino acid change located in the Gamma-carboxyglutamic acid-rich (GLA) domain (IPR000294) of the encoded protein sequence. Five of five in-silico tools predict a damaging effect of the variant on protein function. The variant was absent in 183087 control chromosomes (gnomAD). c.190T>C has been reported in the literature in individuals affected with Factor IX Deficiency (Hemophilia B) (examples: Ludwig_1992, Manno_2003, Hu_2017). These data indicate that the variant is likely to be associated with disease. At least one publication reported this variant reduced clotting activity (Chavali_2009). The following publications have been ascertained in the context of this evaluation (PMID: 19699296, 29037559, 1346077, 12515715). ClinVar contains an entry for this variant (Variation ID: 811523). Based on the evidence outlined above, the variant was classified as likely pathogenic.

ARUP Laboratories, Molecular Genetics and Genomics, ARUP Laboratories
Classification: Likely pathogenic. Last evaluated: 2019-03-18. Review status: criteria provided, single submitter. Criteria: ARUP Molecular Germline Variant Investigation Process. Collection method: clinical testing. Allele origin: germline.
Comment: The F9 c.190T>C; p.Cys64Arg variant (rs137852224), traditionally known as Cys16Arg, is published in the medical literature and gene-specific databases in individuals with hemophilia B (see link to F9 database and references therein). The variant is absent from general population databases (1000 Genomes Project, Exome Variant Server, and Genome Aggregation Database), indicating it is not a common polymorphism. The amino acid at this position is highly conserved and computational algorithms (PolyPhen-2, SIFT) predict this variant is deleterious. Considering available information, this variant is classified as likely pathogenic. References: Link to F9 database

Literature cited by the submitters: PubMed 19699296 (cited by Women's Health and Genetics/Laboratory Corporation of America, LabCorp); PubMed 1346077 (cited by Women's Health and Genetics/Laboratory Corporation of America, LabCorp); PubMed 29037559 (cited by Women's Health and Genetics/Laboratory Corporation of America, LabCorp); PubMed 12515715 (cited by Women's Health and Genetics/Laboratory Corporation of America, LabCorp).